The following is an entry in ClinVar:

NM_003036.4(SKI):c.1309G>C (p.Ala437Pro)

Gene: SKI (SKI proto-oncogene; plus strand). Cytogenetic location: 1p36.32.
Variant type: single nucleotide variant.
Coding change: c.1309G>C on transcript NM_003036.4 (MANE Select); coding-DNA position 1309, G replaced by C.
Protein change: p.Ala437Pro; replaces alanine 437 with proline.
Molecular consequence: missense variant.
Genome position (GRCh38, 1-based): chr1:2,303,937, G>C. VCF-style: chr1-2303937-G-C. GRCh37 (hg19) VCF-style: chr1-2235376-G-C.
Other names: short protein forms A437P.
Identifiers: ClinVar variation 3607347 (VCV003607347.2).

ClinVar aggregate classification (germline): Uncertain significance (1 of 4 stars; one submission).

Conditions:
Shprintzen-Goldberg syndrome (SGS). Also called: Marfanoid disorder with craniosynostosis type 1; Marfanoid craniosynostosis syndrome; Shprintzen-Goldberg marfanoid syndrome; SHPRINTZEN-GOLDBERG CRANIOSYNOSTOSIS SYNDROME; CRANIOSYNOSTOSIS WITH ARACHNODACTYLY AND ABDOMINAL HERNIAS. Identifiers: Orphanet 2462, MedGen C1321551, MONDO:0008426, OMIM 182212.

Submission:

Labcorp Genetics (formerly Invitae), Labcorp
Classification: Uncertain significance for Shprintzen-Goldberg syndrome. Last evaluated: 2024-08-27. Review status: criteria provided, single submitter. Criteria: Invitae Variant Classification Sherloc (09022015). Collection method: clinical testing. Allele origin: germline.
Comment: This sequence change replaces alanine, which is neutral and non-polar, with proline, which is neutral and non-polar, at codon 437 of the SKI protein (p.Ala437Pro). This variant is not present in population databases (gnomAD no frequency). This variant has not been reported in the literature in individuals affected with SKI-related conditions. Invitae Evidence Modeling of protein sequence and biophysical properties (such as structural, functional, and spatial information, amino acid conservation, physicochemical variation, residue mobility, and thermodynamic stability) indicates that this missense variant is not expected to disrupt SKI protein function with a negative predictive value of 95%. In summary, the available evidence is currently insufficient to determine the role of this variant in disease. Therefore, it has been classified as a Variant of Uncertain Significance.